The following is an entry in ClinVar:

ClinVar aggregate classification (germline): Uncertain significance. Review status: criteria provided, multiple submitters, no conflicts (2 of 4 stars). 3 submissions from 3 submitters: Uncertain significance (2). 1 of the submissions does not count toward it. Last evaluated 2024-03-31.

Conditions:
COL4A4-related disorder.
Autosomal recessive Alport syndrome (ATS2). Also called: COL4A4 Alport Syndrome and Thin Basement Membrane Nephropathy; ALPORT SYNDROME 2, AUTOSOMAL RECESSIVE; Alport syndrome type 2; COL4A3-Related Nephropathy. Identifiers: Orphanet 63, Orphanet 88919, MedGen C4746745, MONDO:0008762, OMIM 203780.
Hematuria, benign familial, 1 (BFH1). Also called: THIN MEMBRANE NEPHROPATHY. Identifiers: MedGen CN376803, MONDO:0007709, OMIM 141200.

gnomAD v4.1: 1 of 1,613,928 alleles (0.000062%); highest among the groups gnomAD compares: African/African-American, 0.0013%; no homozygotes.

Submissions (3):

Fulgent Genetics
Classification: Uncertain significance for Hematuria, benign familial, 1; Autosomal recessive Alport syndrome. Last evaluated: 2024-03-31. Review status: criteria provided, single submitter. Criteria: ACMG Guidelines, 2015. Collection method: clinical testing. Allele origin: germline.

GeneDx
Classification: Uncertain significance. Last evaluated: 2023-10-27. Review status: criteria provided, single submitter. Criteria: GeneDx Variant Classification Process June 2021. Collection method: clinical testing. Allele origin: germline. Affected: yes.
Comment: Not observed at significant frequency in large population cohorts (gnomAD); In silico analysis supports that this missense variant has a deleterious effect on protein structure/function; Has not been previously published as pathogenic or benign to our knowledge

PreventionGenetics, part of Exact Sciences
Classification: Uncertain significance for COL4A4-related condition. Last evaluated: 2024-07-23. Review status: no assertion criteria provided. Collection method: clinical testing. Allele origin: germline. Not counted in ClinVar's aggregate classification.
Comment: The COL4A4 c.4738A>G variant is predicted to result in the amino acid substitution p.Ser1580Gly. To our knowledge, this variant has not been reported in the literature or in a large population database, indicating this variant is rare. At this time, the clinical significance of this variant is uncertain due to the absence of conclusive functional and genetic evidence.

NM_000092.5(COL4A4):c.4738A>G (p.Ser1580Gly)

Gene: COL4A4 (collagen type IV alpha 4 chain; minus strand). Cytogenetic location: 2q36.3.
Variant type: single nucleotide variant.
Coding change: c.4738A>G on transcript NM_000092.5 (MANE Select); coding-DNA position 4738, A replaced by G.
Protein change: p.Ser1580Gly; replaces serine 1580 with glycine.
Molecular consequence: missense variant.
Genome position (GRCh38, 1-based): chr2:227,008,089, T>C on the plus strand (A>G on the coding strand, the complement: COL4A4 is on the minus strand). VCF-style: chr2-227008089-T-C. GRCh37 (hg19) VCF-style: chr2-227872805-T-C.
Other names: short protein forms S1580G.
Identifiers: ClinVar variation 3358062 (VCV003358062.3).